The following is an entry in ClinVar:

NM_001378120.1(MBD5):c.5138G>A (p.Arg1713Lys)

Gene: MBD5 (methyl-CpG binding domain protein 5; plus strand). Cytogenetic location: 2q23.1.
Variant type: single nucleotide variant.
Coding change: c.5138G>A on transcript NM_001378120.1 (MANE Select); coding-DNA position 5138, G replaced by A.
Protein change: p.Arg1713Lys; replaces arginine 1713 with lysine.
Molecular consequence: missense variant.
Genome position (GRCh38, 1-based): chr2:148,512,895, G>A. VCF-style: chr2-148512895-G-A. GRCh37 (hg19) VCF-style: chr2-149270464-G-A.
Other names: c.4439G>A, p.Arg1480Lys (NM_018328.5); short protein forms R1480K, R1713K.
Identifiers: ClinVar variation 583025 (VCV000583025.9), dbSNP rs913152551, ClinGen allele CA58230207.

ClinVar aggregate classification (germline): Uncertain significance (1 of 4 stars; one submission).

Conditions:
Intellectual developmental disorder, autosomal dominant 1. Also called: Intellectual disability, autosomal dominant 1; MBD5 Haploinsufficiency. Identifiers: Orphanet 228402, MedGen C1969562, MONDO:0007974, OMIM 156200.

Submission:

Labcorp Genetics (formerly Invitae), Labcorp
Classification: Uncertain significance for Intellectual developmental disorder, autosomal dominant 1. Last evaluated: 2020-01-27. Review status: criteria provided, single submitter. Criteria: Invitae Variant Classification Sherloc (09022015). Collection method: clinical testing. Allele origin: germline.
Comment: This sequence change replaces arginine with lysine at codon 1480 of the MBD5 protein (p.Arg1480Lys). The arginine residue is highly conserved and there is a small physicochemical difference between arginine and lysine. In summary, the available evidence is currently insufficient to determine the role of this variant in disease. Therefore, it has been classified as a Variant of Uncertain Significance. Algorithms developed to predict the effect of missense changes on protein structure and function do not agree on the potential impact of this missense change (SIFT: "Deleterious"; Align-GVGD: "Class C0"). This variant has not been reported in the literature in individuals with MBD5-related disease. This variant is not present in population databases (ExAC no frequency).